The following is an entry in ClinVar:

NM_020831.6(MRTFA):c.1495A>T (p.Ile499Phe)

Gene: MRTFA (myocardin related transcription factor A; minus strand). Cytogenetic location: 22q13.1.
Variant type: single nucleotide variant.
Coding change: c.1495A>T on transcript NM_020831.6 (MANE Select); coding-DNA position 1495, A replaced by T.
Protein change: p.Ile499Phe; replaces isoleucine 499 with phenylalanine.
Molecular consequence: missense variant.
Genome position (GRCh38, 1-based): chr22:40,419,243, T>A on the plus strand (A>T on the coding strand, the complement: MRTFA is on the minus strand). VCF-style: chr22-40419243-T-A. GRCh37 (hg19) VCF-style: chr22-40815247-T-A.
Other names: c.1195A>T, p.Ile399Phe (NM_001282660.2); c.1345A>T, p.Ile449Phe (NM_001282661.3); c.1495A>T, p.Ile499Phe (NM_001282662.3); c.1300A>T, p.Ile434Phe (NM_001318139.2); short protein forms I499F, I399F, I434F, I449F.
Identifiers: ClinVar variation 1953355 (VCV001953355.5), dbSNP rs369827920, ClinGen allele CA324468575.
Genomic context (GRCh38, chr22:40,419,243, plus strand): 5'-GCCCCGTGCTCAGCCGGGCCGCTGGGAAGGCTACCACCACCTCGCCAGCCTTGTGCAGGA[T>A]AGAGGTGGCGGCAGGGGCCTTGGGGGCTCCTGGCACAGGGCTGATTTGGTCTTGATAGGC-3'
Protein context (NP_065882.2, residues 489-509): GAPKAPAATS[Ile499Phe]LHKAGEVVVA

ClinVar aggregate classification (germline): Uncertain significance (1 of 4 stars; one submission).

Allele frequency attached by ClinVar (database versions not stated): gnomAD 0.00005; ESP Exome Variant Server 0.00008.
gnomAD v4.1: 10 of 1,611,134 alleles (0.00062%); highest among the groups gnomAD compares: African/African-American, 0.013%; no homozygotes.

Submission:

Labcorp Genetics (formerly Invitae), Labcorp
Classification: Uncertain significance. Last evaluated: 2025-06-17. Review status: criteria provided, single submitter. Criteria: Invitae Variant Classification Sherloc (09022015). Collection method: clinical testing. Allele origin: germline.
Comment: This sequence change replaces isoleucine, which is neutral and non-polar, with phenylalanine, which is neutral and non-polar, at codon 399 of the MKL1 protein (p.Ile399Phe). This variant is present in population databases (rs369827920, gnomAD 0.01%). This variant has not been reported in the literature in individuals affected with MKL1-related conditions. ClinVar contains an entry for this variant (Variation ID: 1953355). An algorithm developed to predict the effect of missense changes on protein structure and function (PolyPhen-2) suggests that this variant is likely to be tolerated. In summary, the available evidence is currently insufficient to determine the role of this variant in disease. Therefore, it has been classified as a Variant of Uncertain Significance.